The following is an entry in ClinVar:

ClinVar aggregate classification (germline): Uncertain significance (1 of 4 stars; one submission).

gnomAD v4.1: 16 of 1,613,944 alleles (0.00099%); highest among the groups gnomAD compares: African/African-American, 0.0013%; no homozygotes.

Submission:

Labcorp Genetics (formerly Invitae), Labcorp
Classification: Uncertain significance. Last evaluated: 2025-03-12. Review status: criteria provided, single submitter. Criteria: Invitae Variant Classification Sherloc (09022015). Collection method: clinical testing. Allele origin: germline.
Comment: This sequence change replaces asparagine, which is neutral and polar, with serine, which is neutral and polar, at codon 1788 of the KAT6A protein (p.Asn1788Ser). This variant is not present in population databases (gnomAD no frequency). This variant has not been reported in the literature in individuals affected with KAT6A-related conditions. Invitae Evidence Modeling of protein sequence and biophysical properties (such as structural, functional, and spatial information, amino acid conservation, physicochemical variation, residue mobility, and thermodynamic stability) indicates that this missense variant is not expected to disrupt KAT6A protein function with a negative predictive value of 95%. In summary, the available evidence is currently insufficient to determine the role of this variant in disease. Therefore, it has been classified as a Variant of Uncertain Significance.

NM_006766.5(KAT6A):c.5363A>G (p.Asn1788Ser)

Gene: KAT6A (lysine acetyltransferase 6A; minus strand). Cytogenetic location: 8p11.21.
Variant type: single nucleotide variant.
Coding change: c.5363A>G on transcript NM_006766.5 (MANE Select); coding-DNA position 5363, A replaced by G.
Protein change: p.Asn1788Ser; replaces asparagine 1788 with serine.
Molecular consequence: missense variant.
Genome position (GRCh38, 1-based): chr8:41,932,857, T>C on the plus strand (A>G on the coding strand, the complement: KAT6A is on the minus strand). VCF-style: chr8-41932857-T-C. GRCh37 (hg19) VCF-style: chr8-41790375-T-C.
Other names: short protein forms N1788S.
Identifiers: ClinVar variation 3603732 (VCV003603732.2).